The following is an entry in ClinVar:

ClinVar aggregate classification (germline): Likely benign (1 of 4 stars; one submission).

Submission:

Women's Health and Genetics/Laboratory Corporation of America, LabCorp
Classification: Likely benign. Last evaluated: 2020-02-07. Review status: criteria provided, single submitter. Criteria: LabCorp Variant Classification Summary - May 2015. Collection method: clinical testing. Allele origin: germline.
Comment: Variant summary: BRCA1 c.4716T>G alters a non-conserved nucleotide resulting in a synonymous change. 4/4 computational tools predict no significant impact on normal splicing. However, these predictions have yet to be confirmed by functional studies. The variant was absent in 251228 control chromosomes. The available data on variant occurrences in the general population are insufficient to allow any conclusion about variant significance. To our knowledge, no occurrence of c.4716T>G in individuals affected with Hereditary Breast and Ovarian Cancer and no experimental evidence demonstrating its impact on protein function have been reported. No clinical diagnostic laboratories have submitted clinical-significance assessments for this variant to ClinVar after 2014. Based on the evidence outlined above, the variant was classified as likely benign.

NM_007294.4(BRCA1):c.4716T>G (p.Ser1572=)

Gene: BRCA1 (BRCA1 DNA repair associated; minus strand). Cytogenetic location: 17q21.31.
Variant type: single nucleotide variant.
Coding change: c.4716T>G on transcript NM_007294.4 (MANE Select); coding-DNA position 4716, T replaced by G.
Protein change: p.Ser1572=; no amino-acid change (serine 1572 retained).
Molecular consequence: synonymous variant. On other transcripts: intron variant (1).
Genome position (GRCh38, 1-based): chr17:43,071,198, A>C on the plus strand (T>G on the coding strand, the complement: BRCA1 is on the minus strand). VCF-style: chr17-43071198-A-C. GRCh37 (hg19) VCF-style: chr17-41223215-A-C.
Other names: c.4710T>G, p.Ser1570= (NM_001407638.1, NM_001407639.1, NM_001407640.1 and 14 more transcripts); c.4713T>G, p.Ser1571= (NM_001407623.1, NM_001407624.1, NM_001407625.1 and 17 more transcripts); c.4704T>G, p.Ser1568= (NM_001407646.1); c.4701T>G, p.Ser1567= (NM_001407647.1); c.4659T>G, p.Ser1553= (NM_001407648.1); c.4656T>G, p.Ser1552= (NM_001407649.1); c.4716T>G, p.Ser1572= (NM_001407652.1, NM_001407684.1, NM_001407854.1 and 8 more transcripts); c.4638T>G, p.Ser1546= (NM_001407653.1, NM_001407654.1, NM_001407655.1); and 71 more.
Identifiers: ClinVar variation 917732 (VCV000917732.2), dbSNP rs2052422336, ClinGen allele CA500231883.